The following is an entry in ClinVar:

NM_001386393.1(PANK2):c.865G>C (p.Val289Leu)

Gene: PANK2 (pantothenate kinase 2; plus strand). Cytogenetic location: 20p13.
Variant type: single nucleotide variant.
Coding change: c.865G>C on transcript NM_001386393.1 (MANE Select); coding-DNA position 865, G replaced by C.
Protein change: p.Val289Leu; replaces valine 289 with leucine.
Molecular consequence: missense variant. On other transcripts: 5 prime UTR variant (1), non-coding transcript variant (1).
Genome position (GRCh38, 1-based): chr20:3,910,790, G>C. VCF-style: chr20-3910790-G-C. GRCh37 (hg19) VCF-style: chr20-3891437-G-C.
Other names: c.322G>C, p.Val108Leu (NM_001324191.2, NM_024960.6, NM_153640.4); c.-114G>C (NM_001324193.2); c.1195G>C, p.Val399Leu (NM_153638.4); short protein forms V289L, V108L, V399L.
Identifiers: ClinVar variation 1392674 (VCV001392674.6), dbSNP rs1011938873, ClinGen allele CA408115564.

ClinVar aggregate classification (germline): Uncertain significance (1 of 4 stars; one submission).

Conditions:
Pigmentary pallidal degeneration (NBIA1). Also called: PKAN NEUROAXONAL DYSTROPHY, JUVENILE-ONSET; HARP SYNDROME; Pantothenate Kinase-Associated Neurodegeneration; Neuroaxonal dystrophy, late infantile; Hallervorden-Spatz disease; Neurodegeneration with brain iron accumulation 1. Identifiers: Orphanet 157850, MedGen C0018523, MONDO:0009319, OMIM 234200.

Submission:

Labcorp Genetics (formerly Invitae), Labcorp
Classification: Uncertain significance for Pigmentary pallidal degeneration. Last evaluated: 2021-11-17. Review status: criteria provided, single submitter. Criteria: Invitae Variant Classification Sherloc (09022015). Collection method: clinical testing. Allele origin: germline.
Comment: This variant is not present in population databases (gnomAD no frequency). This sequence change replaces valine, which is neutral and non-polar, with leucine, which is neutral and non-polar, at codon 399 of the PANK2 protein (p.Val399Leu). This variant has not been reported in the literature in individuals affected with PANK2-related conditions. Algorithms developed to predict the effect of missense changes on protein structure and function (SIFT, PolyPhen-2, Align-GVGD) all suggest that this variant is likely to be disruptive. In summary, the available evidence is currently insufficient to determine the role of this variant in disease. Therefore, it has been classified as a Variant of Uncertain Significance.